The following is an entry in ClinVar:

NM_000256.3(MYBPC3):c.2077G>T (p.Ala693Ser)

Gene: MYBPC3 (myosin binding protein C3; minus strand). Cytogenetic location: 11p11.2.
Variant type: single nucleotide variant.
Coding change: c.2077G>T on transcript NM_000256.3 (MANE Select); coding-DNA position 2077, G replaced by T.
Protein change: p.Ala693Ser; replaces alanine 693 with serine.
Molecular consequence: missense variant.
Genome position (GRCh38, 1-based): chr11:47,339,395, C>A on the plus strand (G>T on the coding strand, the complement: MYBPC3 is on the minus strand). VCF-style: chr11-47339395-C-A. GRCh37 (hg19) VCF-style: chr11-47360946-C-A.
Other names: c.2077G>T, p.Ala693Ser (LRG_386t1); short protein forms A693S.
Identifiers: ClinVar variation 632160 (VCV000632160.22), dbSNP rs771753579, ClinGen allele CA078510.
Genomic context (GRCh38, chr11:47,339,395, plus strand): 5'-ACACCCACTCATCGCTGTCACCTGTGTCCTCTGGGGCATCTGGGGCTGGCCTGGCTGGGG[C>A]CTTATTCCCCTGGGAACAGGGCAGGAGGGAAGTAGGGAGCAGAGGAGCTGACTCAGCCTG-3'
Protein context (NP_000247.2, residues 683-703): WQKAITQGNK[Ala693Ser]PARPAPDAPE

ClinVar aggregate classification (germline): Conflicting classifications of pathogenicity. Review status: criteria provided, conflicting classifications (1 of 4 stars). 9 submissions from 9 submitters: Uncertain significance (6); Likely benign (3). Last evaluated 2025-12-05.

Conditions:
Hypertrophic cardiomyopathy 4. Also called: Familial hypertrophic cardiomyopathy 4. Identifiers: MedGen C1861862, MONDO:0007268, OMIM 115197.
Left ventricular noncompaction 10 (LVNC10). Identifiers: Orphanet 154, Orphanet 54260, MedGen C3715165, MONDO:0014163, OMIM 615396.
Cardiovascular phenotype. Identifiers: MedGen CN230736.
Cardiomyopathy (CMYO). Also called: Cardiomyopathies. Identifiers: Orphanet 167848, MedGen C0878544, MONDO:0004994, HP:0001638. Inheritance: Various modes of inheritance.
Hypertrophic cardiomyopathy. Also called: HYPERTROPHIC MYOCARDIOPATHY. Identifiers: Orphanet 217569, MedGen C0007194, MeSH D002312, MONDO:0005045, HP:0001639.

Allele frequency attached by ClinVar (database versions not stated): ExAC 0.00003.
gnomAD v4.1: 28 of 1,613,914 alleles (0.0017%); highest among the groups gnomAD compares: Middle Eastern, 0.016%; no homozygotes.

Submissions (9):

Women's Health and Genetics/Laboratory Corporation of America, LabCorp
Classification: Uncertain significance. Last evaluated: 2025-12-05. Review status: criteria provided, single submitter. Criteria: LabCorp Variant Classification Summary - May 2015. Collection method: clinical testing. Allele origin: germline.
Comment: Variant summary: MYBPC3 c.2077G>T (p.Ala693Ser) results in a conservative amino acid change in the encoded protein sequence. Algorithms developed to predict the effect of missense changes on protein structure and function all suggest that this variant is likely to be tolerated. The variant allele was found at a frequency of 1.7e-05 in 1613914 control chromosomes (gnomAD). This frequency is not significantly higher than estimated for disease-causing variants in MYBPC3, allowing no conclusion about variant significance. c.2077G>T has been observed in individuals affected with Hypertrophic Cardiomyopathy (Olivotto_2008, Olivotto__2011, Coppini_2014). These reports do not provide unequivocal conclusions about association of the variant with Dilated Cardiomyopathy. To our knowledge, no experimental evidence demonstrating an impact on protein function has been reported. The following publications have been ascertained in the context of this evaluation (PMID: 25524337, 21835320, 18533079, 33782553). ClinVar contains an entry for this variant (Variation ID: 632160). Based on the evidence outlined above, the variant was classified as uncertain significance.

Color Diagnostics, LLC DBA Color Health
Classification: Uncertain significance for Cardiomyopathy. Last evaluated: 2025-09-11. Review status: criteria provided, single submitter. Criteria: ACMG Guidelines, 2015. Collection method: clinical testing. Allele origin: germline.
Comment: This missense variant replaces alanine with serine at codon 693 of the MYBPC3 protein. Computational prediction suggests that this variant may not impact protein structure and function. To our knowledge, functional studies have not been reported for this variant. This variant has been reported in an individual affected with hypertrophic cardiomyopathy (PMID: 18533079, 21835320, 25524337, 32841044, 33782553). This individual also carried another pathogenic variant in the MYBPC3 gene (PMID: 21835320). This variant has been identified in 14/249134 chromosomes in the general population by the Genome Aggregation Database (gnomAD). The available evidence is insufficient to determine the role of this variant in disease conclusively. Therefore, this variant is classified as a Variant of Uncertain Significance.

Labcorp Genetics (formerly Invitae), Labcorp
Classification: Uncertain significance for Hypertrophic cardiomyopathy. Last evaluated: 2025-07-02. Review status: criteria provided, single submitter. Criteria: Invitae Variant Classification Sherloc (09022015). Collection method: clinical testing. Allele origin: germline.
Comment: This sequence change replaces alanine, which is neutral and non-polar, with serine, which is neutral and polar, at codon 693 of the MYBPC3 protein (p.Ala693Ser). This variant is present in population databases (rs771753579, gnomAD 0.02%). This missense change has been observed in individual(s) with hypertrophic cardiomyopathy (PMID: 18533079, 21835320, 25524337, 28790153, 33782553). ClinVar contains an entry for this variant (Variation ID: 632160). An algorithm developed to predict the effect of missense changes on protein structure and function outputs the following: PolyPhen-2: "Benign". The serine amino acid residue is found in multiple mammalian species, which suggests that this missense change does not adversely affect protein function. In summary, the available evidence is currently insufficient to determine the role of this variant in disease. Therefore, it has been classified as a Variant of Uncertain Significance.

All of Us Research Program, National Institutes of Health
Classification: Uncertain significance for Hypertrophic cardiomyopathy. Last evaluated: 2024-09-23. Review status: criteria provided, single submitter. Criteria: ACMG Guidelines, 2015. Collection method: clinical testing. Allele origin: germline. Inheritance: Autosomal dominant inheritance. Observed: 7 variant alleles, 7 heterozygotes.
Comment: This missense variant replaces alanine with serine at codon 693 of the MYBPC3 protein. Computational prediction suggests that this variant may not impact protein structure and function (internally defined REVEL score threshold <= 0.5, PMID: 27666373). To our knowledge, functional studies have not been reported for this variant. This variant has been reported in one individual affected with hypertrophic cardiomyopathy (PMID: 18533079, 21835320); however, this individual also carries a known pathogenic co-variant MYBPC3 c.772G>A p.Glu258Lys (Clinvar Variation ID: 42792). This variant has been identified in 14/249134 chromosomes in the general population by the Genome Aggregation Database (gnomAD). The available evidence is insufficient to determine the role of this variant in disease conclusively. Therefore, this variant is classified as a Variant of Uncertain Significance.

This study involves interpretation of variants in research participants for the purpose of population health screening. Participant phenotype was not available at the time of variant classification. Additional details can be found in publication PMID: 35346344, PMCID: PMC8962531

Ambry Genetics
Classification: Likely benign for Cardiovascular phenotype. Last evaluated: 2022-11-16. Review status: criteria provided, single submitter. Criteria: Ambry Variant Classification Scheme 2023. Collection method: clinical testing. Allele origin: germline.

GeneDx
Classification: Uncertain significance. Last evaluated: 2022-07-05. Review status: criteria provided, single submitter. Criteria: GeneDx Variant Classification Process June 2021. Collection method: clinical testing. Allele origin: germline. Affected: yes.
Comment: Identified in one patient with HCM who also harbored a second variant in the MYBPC3 gene (Olivotto et al., 2008); In silico analysis supports that this missense variant does not alter protein structure/function; This variant is associated with the following publications: (PMID: 34426522, 33782553, 18533079)

Fulgent Genetics
Classification: Uncertain significance for Hypertrophic cardiomyopathy 4; Left ventricular noncompaction 10. Last evaluated: 2021-09-18. Review status: criteria provided, single submitter. Criteria: ACMG Guidelines, 2015. Collection method: clinical testing. Allele origin: unknown.

Laboratory for Molecular Medicine, Mass General Brigham Personalized Medicine
Classification: Likely benign. Last evaluated: 2019-10-14. Review status: criteria provided, single submitter. Criteria: ACMG Guidelines, 2015. Collection method: clinical testing. Allele origin: germline.
Comment: The p.Ala693Ser variant in MYBPC3 is classified as likely benign because it has been identified in 0.026% (9/34498) of Latino chromosomes by gnomAD and is predicted to be benign by computational tools. ACMG/AMP Criteria applied: BS1_Supporting, BP4.

Blueprint Genetics
Classification: Likely benign. Last evaluated: 2019-08-25. Review status: criteria provided, single submitter. Criteria: ACMG Guidelines, 2015. Collection method: clinical testing. Allele origin: germline.

Literature cited by the submitters: PubMed 18533079 (cited by 5 submitters); PubMed 21835320 (cited by 5 submitters); PubMed 25524337 (cited by 4 submitters); PubMed 33782553 (cited by 3 submitters); PubMed 32841044 (cited by Color Diagnostics, LLC DBA Color Health and Ambry Genetics); PubMed 28790153 (cited by Labcorp Genetics (formerly Invitae), Labcorp); PubMed 34426522 (cited by Ambry Genetics).